The following is an entry in ClinVar:

ClinVar aggregate classification (germline): Uncertain significance (1 of 4 stars; one submission).

gnomAD v4.1: 1 of 1,613,612 alleles (0.000062%); highest among the groups gnomAD compares: Non-Finnish European, 0.000085%; no homozygotes.

Submission:

GeneDx
Classification: Uncertain significance. Last evaluated: 2026-01-22. Review status: criteria provided, single submitter. Criteria: GeneDx Variant Classification Process June 2021. Collection method: clinical testing. Allele origin: germline.
Comment: Not observed at significant frequency in large population cohorts (gnomAD); In silico analysis supports that this missense variant has a deleterious effect on protein structure/function; Has not been previously published as pathogenic or benign to our knowledge

NM_002087.4(GRN):c.1442G>A (p.Cys481Tyr)

Gene: GRN (granulin precursor; plus strand). Cytogenetic location: 17q21.31.
Variant type: single nucleotide variant.
Coding change: c.1442G>A on transcript NM_002087.4 (MANE Select); coding-DNA position 1442, G replaced by A.
Protein change: p.Cys481Tyr; replaces cysteine 481 with tyrosine.
Molecular consequence: missense variant.
Genome position (GRCh38, 1-based): chr17:44,352,369, G>A. VCF-style: chr17-44352369-G-A. GRCh37 (hg19) VCF-style: chr17-42429737-G-A.
Other names: short protein forms C481Y.
Identifiers: ClinVar variation 4975491 (VCV004975491.1).